The following is an entry in ClinVar:

ClinVar aggregate classification (germline): Uncertain significance. Review status: criteria provided, multiple submitters, no conflicts (2 of 4 stars). 2 submissions from 2 submitters: Uncertain significance (2). Last evaluated 2024-09-11.

Conditions:
Inborn genetic diseases. Identifiers: MedGen C0950123, MeSH D030342.

Allele frequency attached by ClinVar (database versions not stated): gnomAD 0.00001; gnomAD exomes 0.00001; TOPMed 0.00001.

Submissions (2):

Ambry Genetics
Classification: Uncertain significance for Inborn genetic diseases. Last evaluated: 2024-09-11. Review status: criteria provided, single submitter. Criteria: Ambry Variant Classification Scheme 2023. Collection method: clinical testing. Allele origin: germline.

Labcorp Genetics (formerly Invitae), Labcorp
Classification: Uncertain significance. Last evaluated: 2022-03-27. Review status: criteria provided, single submitter. Criteria: Invitae Variant Classification Sherloc (09022015). Collection method: clinical testing. Allele origin: germline.
Comment: This sequence change replaces histidine, which is basic and polar, with arginine, which is basic and polar, at codon 1906 of the GPR179 protein (p.His1906Arg). This variant is not present in population databases (gnomAD no frequency). This variant has not been reported in the literature in individuals affected with GPR179-related conditions. Algorithms developed to predict the effect of missense changes on protein structure and function (SIFT, PolyPhen-2, Align-GVGD) all suggest that this variant is likely to be tolerated. In summary, the available evidence is currently insufficient to determine the role of this variant in disease. Therefore, it has been classified as a Variant of Uncertain Significance.

NM_001004334.4(GPR179):c.5717A>G (p.His1906Arg)

Gene: GPR179 (G protein-coupled receptor 179; minus strand). Cytogenetic location: 17q12.
Variant type: single nucleotide variant.
Coding change: c.5717A>G on transcript NM_001004334.4 (MANE Select); coding-DNA position 5717, A replaced by G.
Protein change: p.His1906Arg; replaces histidine 1906 with arginine.
Molecular consequence: missense variant.
Genome position (GRCh38, 1-based): chr17:38,327,852, T>C on the plus strand (A>G on the coding strand, the complement: GPR179 is on the minus strand). VCF-style: chr17-38327852-T-C. GRCh37 (hg19) VCF-style: chr17-36483735-T-C.
Other names: c.5717A>G (NM_001004334.2); short protein forms H1906R.
Identifiers: ClinVar variation 1369526 (VCV001369526.6), dbSNP rs1031073651, ClinGen allele CA290103382.
Genomic context (GRCh38, chr17:38,327,852, plus strand): 5'-GGGAAGGAACCTGTCTTTGGGTCTTGTCTCAGGTCCCCCTTCTCTGTTGCTTCCAAGGAA[T>C]GTCCCTCTGCCACTTCACTACTCATGCTGCTGGGCAAGTCTGAGATCTTGGGGGCCTGAG-3'
Protein context (NP_001004334.3, residues 1896-1916): SSMSSEVAEG[His1906Arg]SLEATEKGDL